The following is an entry in ClinVar:

ClinVar aggregate classification (germline): Uncertain significance (1 of 4 stars; one submission).

Submission:

Labcorp Genetics (formerly Invitae), Labcorp
Classification: Uncertain significance. Last evaluated: 2021-10-21. Review status: criteria provided, single submitter. Criteria: Invitae Variant Classification Sherloc (09022015). Collection method: clinical testing. Allele origin: germline.
Comment: In summary, the available evidence is currently insufficient to determine the role of this variant in disease. Therefore, it has been classified as a Variant of Uncertain Significance. Algorithms developed to predict the effect of missense changes on protein structure and function are either unavailable or do not agree on the potential impact of this missense change (SIFT: "Deleterious"; PolyPhen-2: "Benign"; Align-GVGD: "Class C0"). This variant has not been reported in the literature in individuals affected with PRPF6-related conditions. This variant is not present in population databases (ExAC no frequency). This sequence change replaces lysine with asparagine at codon 62 of the PRPF6 protein (p.Lys62Asn). The lysine residue is highly conserved and there is a moderate physicochemical difference between lysine and asparagine.

NM_012469.4(PRPF6):c.186A>C (p.Lys62Asn)

Gene: PRPF6 (pre-mRNA processing factor 6; plus strand). Cytogenetic location: 20q13.33.
Variant type: single nucleotide variant.
Coding change: c.186A>C on transcript NM_012469.4 (MANE Select); coding-DNA position 186, A replaced by C.
Protein change: p.Lys62Asn; replaces lysine 62 with asparagine.
Molecular consequence: missense variant.
Genome position (GRCh38, 1-based): chr20:63,983,161, A>C. VCF-style: chr20-63983161-A-C. GRCh37 (hg19) VCF-style: chr20-62614514-A-C.
Other names: short protein forms K62N.
Identifiers: ClinVar variation 1372633 (VCV001372633.6), dbSNP rs2122968107, ClinGen allele CA409797484.
Genomic context (GRCh38, chr20:63,983,161, plus strand): 5'-CCCTGTGGATGATCGCCATGCACCCCCAGGCAAGAGAACCGTTGGGGACCAGATGAAGAA[A>C]AATCAGGCTGCTGACGATGACGACGAGGATCTAAATGACACCAATTACGATGAGGTGAGA-3'
Protein context (NP_036601.2, residues 52-72): GKRTVGDQMK[Lys62Asn]NQAADDDDED